The following is an entry in ClinVar:

NM_019109.5(ALG1):c.212C>G (p.Ser71Cys)

Gene: ALG1 (ALG1 chitobiosyldiphosphodolichol beta-mannosyltransferase; plus strand). Cytogenetic location: 16p13.3.
Variant type: single nucleotide variant.
Coding change: c.212C>G on transcript NM_019109.5 (MANE Select); coding-DNA position 212, C replaced by G.
Protein change: p.Ser71Cys; replaces serine 71 with cysteine.
Molecular consequence: missense variant. On other transcripts: 5 prime UTR variant (1).
Genome position (GRCh38, 1-based): chr16:5,072,954, C>G. VCF-style: chr16-5072954-C-G. GRCh37 (hg19) VCF-style: chr16-5122955-C-G.
Other names: c.-122C>G (NM_001330504.2); short protein forms S71C.
Identifiers: ClinVar variation 2969813 (VCV002969813.4), dbSNP rs200605408, ClinGen allele CA394678992.

ClinVar aggregate classification (germline): Conflicting classifications of pathogenicity. Review status: criteria provided, conflicting classifications (1 of 4 stars). 2 submissions from 2 submitters: Likely pathogenic (1); Uncertain significance (1). Last evaluated 2024-02-22.

Conditions:
ALG1-congenital disorder of glycosylation. Also called: ALG1-CDG; CONGENITAL DISORDER OF GLYCOSYLATION, TYPE Ik; CDG Ik. Identifiers: Orphanet 79327, MedGen C2931005, MONDO:0012052, OMIM 608540.

gnomAD v4.1: 1 of 1,614,162 alleles (0.000062%); highest among the groups gnomAD compares: African/African-American, 0.0013%; no homozygotes.

Submissions (2):

Fulgent Genetics
Classification: Uncertain significance for ALG1-congenital disorder of glycosylation. Last evaluated: 2024-02-22. Review status: criteria provided, single submitter. Criteria: ACMG Guidelines, 2015. Collection method: clinical testing. Allele origin: germline.

Labcorp Genetics (formerly Invitae), Labcorp
Classification: Likely pathogenic for ALG1-congenital disorder of glycosylation. Last evaluated: 2023-07-26. Review status: criteria provided, single submitter. Criteria: Invitae Variant Classification Sherloc (09022015). Collection method: clinical testing. Allele origin: germline.
Comment: In summary, the currently available evidence indicates that the variant is pathogenic, but additional data are needed to prove that conclusively. Therefore, this variant has been classified as Likely Pathogenic. This variant disrupts the p.Ser71 amino acid residue in ALG1. Other variant(s) that disrupt this residue have been determined to be pathogenic (PMID: 26931382). This suggests that this residue is clinically significant, and that variants that disrupt this residue are likely to be disease-causing. Advanced modeling of protein sequence and biophysical properties (such as structural, functional, and spatial information, amino acid conservation, physicochemical variation, residue mobility, and thermodynamic stability) performed at Invitae indicates that this missense variant is expected to disrupt ALG1 protein function. This variant has not been reported in the literature in individuals affected with ALG1-related conditions. This variant is present in population databases (no rsID available, gnomAD 0.0009%). This sequence change replaces serine, which is neutral and polar, with cysteine, which is neutral and slightly polar, at codon 71 of the ALG1 protein (p.Ser71Cys).

Literature cited by the submitters: PubMed 26931382 (cited by Labcorp Genetics (formerly Invitae), Labcorp).